The following is an entry in ClinVar:

ClinVar aggregate classification (germline): Uncertain significance. Review status: criteria provided, multiple submitters, no conflicts (2 of 4 stars). 2 submissions from 2 submitters: Uncertain significance (2). Last evaluated 2025-03-07.

Conditions:
Hajdu-Cheney syndrome (HJCYS). Also called: SERPENTINE FIBULA-POLYCYSTIC KIDNEY SYNDROME; ACROOSTEOLYSIS WITH OSTEOPOROSIS AND CHANGES IN SKULL AND MANDIBLE; Acroosteolysis dominant type. Identifiers: Orphanet 955, MedGen C0917715, MONDO:0007057, OMIM 102500.

Submissions (2):

Centre for Clinical Genetics and Genomic Diagnostics, Zealand University Hospital
Classification: Uncertain significance. Last evaluated: 2025-03-07. Review status: criteria provided, single submitter. Criteria: ACMG Guidelines, 2015. Collection method: clinical testing. Allele origin: germline.

Labcorp Genetics (formerly Invitae), Labcorp
Classification: Uncertain significance for Hajdu-Cheney syndrome. Last evaluated: 2023-10-19. Review status: criteria provided, single submitter. Criteria: Invitae Variant Classification Sherloc (09022015). Collection method: clinical testing. Allele origin: germline.
Comment: This sequence change replaces serine, which is neutral and polar, with phenylalanine, which is neutral and non-polar, at codon 1010 of the NOTCH2 protein (p.Ser1010Phe). This variant is not present in population databases (gnomAD no frequency). This variant has not been reported in the literature in individuals affected with NOTCH2-related conditions. Advanced modeling of protein sequence and biophysical properties (such as structural, functional, and spatial information, amino acid conservation, physicochemical variation, residue mobility, and thermodynamic stability) performed at Invitae indicates that this missense variant is not expected to disrupt NOTCH2 protein function. In summary, the available evidence is currently insufficient to determine the role of this variant in disease. Therefore, it has been classified as a Variant of Uncertain Significance.

NM_024408.4(NOTCH2):c.3029C>T (p.Ser1010Phe)

Gene: NOTCH2 (notch receptor 2; minus strand). Cytogenetic location: 1p12.
Variant type: single nucleotide variant.
Coding change: c.3029C>T on transcript NM_024408.4 (MANE Select); coding-DNA position 3029, C replaced by T.
Protein change: p.Ser1010Phe; replaces serine 1010 with phenylalanine.
Molecular consequence: missense variant.
Genome position (GRCh38, 1-based): chr1:119,940,709, G>A on the plus strand (C>T on the coding strand, the complement: NOTCH2 is on the minus strand). VCF-style: chr1-119940709-G-A. GRCh37 (hg19) VCF-style: chr1-120483332-G-A.
Other names: c.3029C>T, p.Ser1010Phe (NM_001200001.2); short protein forms S1010F.
Identifiers: ClinVar variation 2770166 (VCV002770166.4), dbSNP rs2526202998, ClinGen allele CA341854940.